The following is an entry in ClinVar:

ClinVar aggregate classification (germline): Uncertain significance (1 of 4 stars; one submission).

Conditions:
Charcot-Marie-Tooth disease axonal type 2O. Also called: CHARCOT-MARIE-TOOTH NEUROPATHY, AXONAL, TYPE 2O; CHARCOT-MARIE-TOOTH DISEASE, AXONAL, AUTOSOMAL DOMINANT, TYPE 2O; Charcot-Marie-Tooth Neuropathy Type 2O; Charcot-Marie-Tooth disease, axonal, type 20. Identifiers: Orphanet 284232, MedGen C3280220, MONDO:0013644, OMIM 614228.

Submission:

Labcorp Genetics (formerly Invitae), Labcorp
Classification: Uncertain significance for Charcot-Marie-Tooth disease axonal type 2O. Last evaluated: 2024-02-14. Review status: criteria provided, single submitter. Criteria: Invitae Variant Classification Sherloc (09022015). Collection method: clinical testing. Allele origin: germline.
Comment: This sequence change replaces arginine, which is basic and polar, with cysteine, which is neutral and slightly polar, at codon 1318 of the DYNC1H1 protein (p.Arg1318Cys). This variant is present in population databases (no rsID available, gnomAD 0.0009%). This variant has not been reported in the literature in individuals affected with DYNC1H1-related conditions. Advanced modeling of protein sequence and biophysical properties (such as structural, functional, and spatial information, amino acid conservation, physicochemical variation, residue mobility, and thermodynamic stability) performed at Invitae indicates that this missense variant is expected to disrupt DYNC1H1 protein function with a positive predictive value of 95%. In summary, the available evidence is currently insufficient to determine the role of this variant in disease. Therefore, it has been classified as a Variant of Uncertain Significance.

NM_001376.5(DYNC1H1):c.3952C>T (p.Arg1318Cys)

Gene: DYNC1H1 (dynein cytoplasmic 1 heavy chain 1; plus strand). Cytogenetic location: 14q32.31.
Variant type: single nucleotide variant.
Coding change: c.3952C>T on transcript NM_001376.5 (MANE Select); coding-DNA position 3952, C replaced by T.
Protein change: p.Arg1318Cys; replaces arginine 1318 with cysteine.
Molecular consequence: missense variant.
Genome position (GRCh38, 1-based): chr14:102,000,136, C>T. VCF-style: chr14-102000136-C-T. GRCh37 (hg19) VCF-style: chr14-102466473-C-T.
Other names: short protein forms R1318C.
Identifiers: ClinVar variation 3705682 (VCV003705682.2).